The following is an entry in ClinVar:

ClinVar aggregate classification (germline): Benign. Review status: criteria provided, multiple submitters, no conflicts (2 of 4 stars). 4 submissions from 4 submitters: Benign (2). 2 of the submissions do not count toward it. Last evaluated 2026-02-03.

Conditions:
Brugada syndrome. Also called: Sudden Unexplained Death Syndrome; Sudden Unexplained Nocturnal Death Syndrome (SUNDS); Sudden unexpected nocturnal death syndrome; Sudden unexplained nocturnal death syndrome. Identifiers: Orphanet 130, MedGen C1142166, MONDO:0015263.

Allele frequency attached by ClinVar (database versions not stated): 1000 Genomes Project 0.00359; 1000 Genomes Project 30x 0.00390; ExAC 0.00511; gnomAD exomes 0.00522 and 0.00759; gnomAD 0.00588 and 0.00599; ESP Exome Variant Server 0.00608; TOPMed 0.00618.
gnomAD v4.1: 9,971 of 1,354,720 alleles (0.74%); highest among the groups gnomAD compares: Non-Finnish European, 0.9%; 62 homozygotes.

Submissions (4):

Labcorp Genetics (formerly Invitae), Labcorp
Classification: Benign for Brugada syndrome. Last evaluated: 2026-02-03. Review status: criteria provided, single submitter. Criteria: Invitae Variant Classification Sherloc (09022015). Collection method: clinical testing. Allele origin: germline.

GeneDx
Classification: Benign. Last evaluated: 2017-01-20. Review status: criteria provided, single submitter. Criteria: GeneDx Variant Classification (06012015). Collection method: clinical testing. Allele origin: germline. Affected: yes.
Comment: This variant is considered likely benign or benign based on one or more of the following criteria: it is a conservative change, it occurs at a poorly conserved position in the protein, it is predicted to be benign by multiple in silico algorithms, and/or has population frequency not consistent with disease.

Clinical Genetics, Academic Medical Center
Classification: Benign. Review status: no assertion criteria provided. Collection method: clinical testing. Allele origin: germline. Affected: yes. Study: VKGL Data-share Consensus. Not counted in ClinVar's aggregate classification.

Joint Genome Diagnostic Labs from Nijmegen and Maastricht, Radboudumc and MUMC+
Classification: Benign. Review status: no assertion criteria provided. Collection method: clinical testing. Allele origin: germline. Affected: yes. Study: VKGL Data-share Consensus. Not counted in ClinVar's aggregate classification.

NM_000722.4(CACNA2D1):c.1144-18A>G

Genes: CACNA2D1 (calcium voltage-gated channel auxiliary subunit alpha2delta 1; minus strand), CACNA2D1-AS1 (CACNA2D1 antisense RNA 1; plus strand). Cytogenetic location: 7q21.11.
Variant type: single nucleotide variant.
Coding change: c.1144-18A>G on transcript NM_000722.4 (MANE Select); 18 bases into the intron before coding-DNA position 1144, A replaced by G.
Molecular consequence: intron variant.
Genome position (GRCh38, 1-based): chr7:82,014,497, T>C on the plus strand (A>G on the coding strand, the complement: CACNA2D1 is on the minus strand). VCF-style: chr7-82014497-T-C. GRCh37 (hg19) VCF-style: chr7-81643813-T-C.
Other names: c.1144-18A>G (LRG_437t1, NM_001366867.1).
Identifiers: ClinVar variation 506499 (VCV000506499.13), dbSNP rs78174406, ClinGen allele CA4318121.
Genomic context (GRCh38, chr7:82,014,497, plus strand): 5'-TGTCATAATTGTGTTGACCAACTGAAAACGTGAATACACGTACCTGGATGAATTGAAAAA[T>C]AGGTATTCATTAGGCTGAATAAAATTTAATTCAATGGCAAAATAAAACAGCTAAAATTTC-3'